The following is an entry in ClinVar:

NM_000214.3(JAG1):c.744A>G (p.Pro248=)

Gene: JAG1 (jagged canonical Notch ligand 1; minus strand). Cytogenetic location: 20p12.2.
Variant type: single nucleotide variant.
Coding change: c.744A>G on transcript NM_000214.3 (MANE Select); coding-DNA position 744, A replaced by G.
Protein change: p.Pro248=; no amino-acid change (proline 248 retained).
Molecular consequence: synonymous variant.
Genome position (GRCh38, 1-based): chr20:10,656,409, T>C on the plus strand (A>G on the coding strand, the complement: JAG1 is on the minus strand). VCF-style: chr20-10656409-T-C. GRCh37 (hg19) VCF-style: chr20-10637057-T-C.
Other names: p.Pro248=.
Identifiers: ClinVar variation 42482 (VCV000042482.30), dbSNP rs10485741, ClinGen allele CA282315.

ClinVar aggregate classification (germline): Benign. Review status: criteria provided, multiple submitters, no conflicts (2 of 4 stars). 12 submissions from 12 submitters: Benign (9). 3 of the submissions do not count toward it. Last evaluated 2026-02-03.

Conditions:
Isolated Nonsyndromic Congenital Heart Disease.
Cardiovascular phenotype. Identifiers: MedGen CN230736.
Alagille syndrome due to a JAG1 point mutation. Also called: HEPATIC DUCTULAR HYPOPLASIA, SYNDROMATIC; Alagille Syndrome 1; JAG1-Related Alagille Syndrome. Identifiers: Orphanet 261619, Orphanet 52, MedGen C1956125, MONDO:0016862, OMIM 118450.

Allele frequency attached by ClinVar (database versions not stated): 1000 Genomes Project 30x 0.05746; 1000 Genomes Project 0.05871; ESP Exome Variant Server 0.06543; TOPMed 0.06807; gnomAD 0.06845 and 0.06947.
gnomAD v4.1: 117,316 of 1,613,022 alleles (7.3%); highest among the groups gnomAD compares: Admixed American, 11%; 4,713 homozygotes.

Submissions (12):

Labcorp Genetics (formerly Invitae), Labcorp
Classification: Benign for Alagille syndrome due to a JAG1 point mutation. Last evaluated: 2026-02-03. Review status: criteria provided, single submitter. Criteria: Invitae Variant Classification Sherloc (09022015). Collection method: clinical testing. Allele origin: germline.

Blueprint Genetics
Classification: Benign. Last evaluated: 2024-11-28. Review status: criteria provided, single submitter. Criteria: ACMG Guidelines, 2015. Collection method: clinical testing. Allele origin: germline.

Women's Health and Genetics/Laboratory Corporation of America, LabCorp
Classification: Benign. Last evaluated: 2023-04-09. Review status: criteria provided, single submitter. Criteria: LabCorp Variant Classification Summary - May 2015. Collection method: clinical testing. Allele origin: germline.

Mayo Clinic Laboratories, Mayo Clinic
Classification: Benign. Last evaluated: 2022-05-05. Review status: criteria provided, single submitter. Criteria: ACMG Guidelines, 2015. Collection method: clinical testing. Allele origin: germline. Observed: 135 variant alleles.

Illumina Laboratory Services, Illumina
Classification: Benign for Isolated Nonsyndromic Congenital Heart Disease. Last evaluated: 2018-01-13. Review status: criteria provided, single submitter. Criteria: ICSL Variant Classification Criteria 13 December 2019. Collection method: clinical testing. Allele origin: germline.
Comment: This variant was observed in the ICSL laboratory as part of a predisposition screen in an ostensibly healthy population. It had not been previously curated by ICSL or reported in the Human Gene Mutation Database (HGMD: prior to June 1st, 2018), and was therefore a candidate for classification through an automated scoring system. Utilizing variant allele frequency, disease prevalence and penetrance estimates, and inheritance mode, an automated score was calculated to assess if this variant is too frequent to cause the disease. Based on the score and internal cut-off values, a variant classified as benign is not then subjected to further curation. The score for this variant resulted in a classification of benign for this disease.

Ambry Genetics
Classification: Benign for Cardiovascular phenotype. Last evaluated: 2015-06-12. Review status: criteria provided, single submitter. Criteria: Ambry Variant Classification Scheme 2023. Collection method: clinical testing. Allele origin: germline.

Laboratory for Molecular Medicine, Mass General Brigham Personalized Medicine
Classification: Benign. Last evaluated: 2010-09-03. Review status: criteria provided, single submitter. Criteria: LMM Criteria. Collection method: clinical testing. Allele origin: germline. Observed: 4 variant alleles.

Breakthrough Genomics
Classification: Benign. Review status: criteria provided, single submitter. Criteria: ACMG Guidelines, 2015. Collection method: not provided. Allele origin: germline. Inheritance: Autosomal dominant inheritance. Affected: yes.

PreventionGenetics, part of Exact Sciences
Classification: Benign. Review status: criteria provided, single submitter. Criteria: ACMG Guidelines, 2015. Collection method: clinical testing. Allele origin: germline.

Clinical Genetics DNA and cytogenetics Diagnostics Lab, Erasmus MC, Erasmus Medical Center
Classification: Benign. Review status: no assertion criteria provided. Collection method: clinical testing. Allele origin: germline. Affected: yes. Study: VKGL Data-share Consensus. Not counted in ClinVar's aggregate classification.

Clinical Genetics, Academic Medical Center
Classification: Benign. Review status: no assertion criteria provided. Collection method: clinical testing. Allele origin: germline. Affected: yes. Study: VKGL Data-share Consensus. Not counted in ClinVar's aggregate classification.

Joint Genome Diagnostic Labs from Nijmegen and Maastricht, Radboudumc and MUMC+
Classification: Likely benign. Review status: no assertion criteria provided. Collection method: clinical testing. Allele origin: germline. Affected: yes. Study: VKGL Data-share Consensus. Not counted in ClinVar's aggregate classification.